The following is an entry in ClinVar:

ClinVar aggregate classification (germline): Uncertain significance (1 of 4 stars; one submission).

Allele frequency attached by ClinVar (database versions not stated): gnomAD exomes below 0.00001 and 0.00001; gnomAD 0.00001; TOPMed 0.00004.
gnomAD v4.1: 5 of 1,613,946 alleles (0.00031%); highest among the groups gnomAD compares: African/African-American, 0.004%; no homozygotes.

Submission:

Labcorp Genetics (formerly Invitae), Labcorp
Classification: Uncertain significance. Last evaluated: 2025-03-10. Review status: criteria provided, single submitter. Criteria: Invitae Variant Classification Sherloc (09022015). Collection method: clinical testing. Allele origin: germline.
Comment: This sequence change replaces serine, which is neutral and polar, with threonine, which is neutral and polar, at codon 352 of the EXTL3 protein (p.Ser352Thr). This variant is present in population databases (no rsID available, gnomAD 0.006%). This variant has not been reported in the literature in individuals affected with EXTL3-related conditions. ClinVar contains an entry for this variant (Variation ID: 1416973). Invitae Evidence Modeling of protein sequence and biophysical properties (such as structural, functional, and spatial information, amino acid conservation, physicochemical variation, residue mobility, and thermodynamic stability) indicates that this missense variant is not expected to disrupt EXTL3 protein function with a negative predictive value of 80%. In summary, the available evidence is currently insufficient to determine the role of this variant in disease. Therefore, it has been classified as a Variant of Uncertain Significance.

NM_001440.4(EXTL3):c.1054T>A (p.Ser352Thr)

Gene: EXTL3 (exostosin like glycosyltransferase 3; plus strand). Cytogenetic location: 8p21.1.
Variant type: single nucleotide variant.
Coding change: c.1054T>A on transcript NM_001440.4 (MANE Select); coding-DNA position 1054, T replaced by A.
Protein change: p.Ser352Thr; replaces serine 352 with threonine.
Molecular consequence: missense variant.
Genome position (GRCh38, 1-based): chr8:28,717,113, T>A. VCF-style: chr8-28717113-T-A. GRCh37 (hg19) VCF-style: chr8-28574630-T-A.
Other names: short protein forms S352T.
Identifiers: ClinVar variation 1416973 (VCV001416973.4), dbSNP rs975388869, ClinGen allele CA174386703.
Genomic context (GRCh38, chr8:28,717,113, plus strand): 5'-CCACCACAGGTGCCGGTGAAGCGGAAATATCTCTTCACCTTCCAGGGCGAGAAGATTGAG[T>A]CTCTGAGGTCTAGCCTTCAGGAGGCCCGCTCCTTCGAAGAGGAAATGGAGGGCGACCCTC-3'
Protein context (NP_001431.1, residues 342-362): LFTFQGEKIE[Ser352Thr]LRSSLQEARS